The following is an entry in ClinVar:

ClinVar aggregate classification (germline): Uncertain significance (1 of 4 stars; one submission).

Conditions:
Emery-Dreifuss muscular dystrophy (EDMD). Also called: Scapuloperoneal syndrome, X-linked (formerly); Humeroperoneal neuromuscular disease, (formerly). Identifiers: Orphanet 261, MedGen C0410189, MONDO:0016830.

Submission:

Labcorp Genetics (formerly Invitae), Labcorp
Classification: Uncertain significance for Emery-Dreifuss muscular dystrophy. Last evaluated: 2022-04-19. Review status: criteria provided, single submitter. Criteria: Invitae Variant Classification Sherloc (09022015). Collection method: clinical testing. Allele origin: germline.
Comment: In summary, the available evidence is currently insufficient to determine the role of this variant in disease. Therefore, it has been classified as a Variant of Uncertain Significance. Algorithms developed to predict the effect of sequence changes on RNA splicing suggest that this variant may disrupt the consensus splice site. This variant has not been reported in the literature in individuals affected with SUN1-related conditions. This variant is not present in population databases (gnomAD no frequency). This sequence change affects codon 623 of the SUN1 mRNA. It is a 'silent' change, meaning that it does not change the encoded amino acid sequence of the SUN1 protein.

NM_001130965.3(SUN1):c.1869C>T (p.Gly623=)

Gene: SUN1 (Sad1 and UNC84 domain containing 1; plus strand). Cytogenetic location: 7p22.3.
Variant type: single nucleotide variant.
Coding change: c.1869C>T on transcript NM_001130965.3 (MANE Select); coding-DNA position 1869, C replaced by T.
Protein change: p.Gly623=; no amino-acid change (glycine 623 retained).
Molecular consequence: synonymous variant. On other transcripts: non-coding transcript variant (3).
Genome position (GRCh38, 1-based): chr7:865,956, C>T. VCF-style: chr7-865956-C-T. GRCh37 (hg19) VCF-style: chr7-905593-C-T.
Other names: c.1560C>T, p.Gly520= (NM_001171944.2); c.1869C>T, p.Gly623= (NM_001367633.1, NM_001367634.1, NM_001367653.1); c.1518C>T, p.Gly506= (NM_001367635.1); c.2109C>T, p.Gly703= (NM_001367636.1, NM_001367691.1); c.1977C>T, p.Gly659= (NM_001367638.1); c.1410C>T, p.Gly470= (NM_001367639.1); c.2049C>T, p.Gly683= (NM_001367640.1); c.2151C>T, p.Gly717= (NM_001367641.1, NM_001367682.1); and 43 more.
Identifiers: ClinVar variation 2017790 (VCV002017790.4), dbSNP rs2488546406, ClinGen allele CA453375457.